The following is an entry in ClinVar:

ClinVar aggregate classification (germline): Uncertain significance (1 of 4 stars; one submission).

Conditions:
Thrombophilia due to protein S deficiency, autosomal recessive (THPH6). Identifiers: Orphanet 743, MedGen C3281092, MONDO:0013791, OMIM 614514. Disease mechanism: loss of function.

Allele frequency attached by ClinVar (database versions not stated): gnomAD exomes below 0.00001; ExAC 0.00001; ESP Exome Variant Server 0.00008.
gnomAD v4.1: 1 of 1,605,966 alleles (0.000062%); highest among the groups gnomAD compares: African/African-American, 0.0013%; no homozygotes.

Submission:

Labcorp Genetics (formerly Invitae), Labcorp
Classification: Uncertain significance for Thrombophilia due to protein S deficiency, autosomal recessive. Last evaluated: 2025-09-16. Review status: criteria provided, single submitter. Criteria: Invitae Variant Classification Sherloc (09022015). Collection method: clinical testing. Allele origin: germline.
Comment: This sequence change falls in intron 3 of the PROS1 gene. It does not directly change the encoded amino acid sequence of the PROS1 protein. This variant is present in population databases (rs373193429, gnomAD 0.007%). This variant has not been reported in the literature in individuals affected with PROS1-related conditions. ClinVar contains an entry for this variant (Variation ID: 656072). Algorithms developed to predict the effect of sequence changes on RNA splicing suggest that this variant may disrupt the consensus splice site. In summary, the available evidence is currently insufficient to determine the role of this variant in disease. Therefore, it has been classified as a Variant of Uncertain Significance.

NM_000313.4(PROS1):c.260-7T>G

Gene: PROS1 (protein S; minus strand). Cytogenetic location: 3q11.1.
Variant type: single nucleotide variant.
Coding change: c.260-7T>G on transcript NM_000313.4 (MANE Select); 7 bases into the intron before coding-DNA position 260, T replaced by G.
Molecular consequence: intron variant.
Genome position (GRCh38, 1-based): chr3:93,910,712, A>C on the plus strand (T>G on the coding strand, the complement: PROS1 is on the minus strand). VCF-style: chr3-93910712-A-C. GRCh37 (hg19) VCF-style: chr3-93629556-A-C.
Other names: c.356-7T>G (NM_001314077.2).
Identifiers: ClinVar variation 656072 (VCV000656072.5), dbSNP rs373193429, ClinGen allele CA2503528.